The following is an entry in ClinVar:

NM_001035.3(RYR2):c.2431T>A (p.Phe811Ile)

Gene: RYR2 (ryanodine receptor 2; plus strand). Cytogenetic location: 1q43.
Variant type: single nucleotide variant.
Coding change: c.2431T>A on transcript NM_001035.3 (MANE Select); coding-DNA position 2431, T replaced by A.
Protein change: p.Phe811Ile; replaces phenylalanine 811 with isoleucine.
Molecular consequence: missense variant.
Genome position (GRCh38, 1-based): chr1:237,503,323, T>A. VCF-style: chr1-237503323-T-A. GRCh37 (hg19) VCF-style: chr1-237666623-T-A.
Other names: short protein forms F811I.
Identifiers: ClinVar variation 923449 (VCV000923449.4), dbSNP rs1664862243, ClinGen allele CA345378733.
Genomic context (GRCh38, chr1:237,503,323, plus strand): 5'-TTGACTCTAACGTGCATCCTCTTTAGAGTACGCTTTCTGCTTGGAGGGCGACATGGAGAA[T>A]TCAAATTTCTTCCTCCACCTGGGTATGCTCCTTGTTATGAAGCTGTTCTGCCAAAAGAAA-3'
Protein context (NP_001026.2, residues 801-821): RFLLGGRHGE[Phe811Ile]KFLPPPGYAP

ClinVar aggregate classification (germline): Uncertain significance (1 of 4 stars; one submission).

Conditions:
Cardiomyopathy (CMYO). Also called: Cardiomyopathies. Identifiers: Orphanet 167848, MedGen C0878544, MONDO:0004994, HP:0001638. Inheritance: Various modes of inheritance.

Submission:

Color Diagnostics, LLC DBA Color Health
Classification: Uncertain significance for Cardiomyopathy. Last evaluated: 2023-12-05. Review status: criteria provided, single submitter. Criteria: ACMG Guidelines, 2015. Collection method: clinical testing. Allele origin: germline.
Comment: This missense variant replaces phenylalanine with isoleucine at codon 811 of the RYR2 protein. Computational prediction suggests that this variant may not impact protein structure and function (internally defined REVEL score threshold <= 0.5, PMID: 27666373). To our knowledge, functional studies have not been reported for this variant. This variant has not been reported in individuals affected with RYR2-related disorders in the literature. This variant has not been identified in the general population by the Genome Aggregation Database (gnomAD). The available evidence is insufficient to determine the role of this variant in disease conclusively. Therefore, this variant is classified as a Variant of Uncertain Significance.